The following is an entry in ClinVar:

NM_001164508.2(NEB):c.17155C>A (p.His5719Asn)

Gene: NEB (nebulin; minus strand). Cytogenetic location: 2q23.3.
Variant type: single nucleotide variant.
Coding change: c.17155C>A on transcript NM_001164508.2 (MANE Select); coding-DNA position 17155, C replaced by A.
Protein change: p.His5719Asn; replaces histidine 5719 with asparagine.
Molecular consequence: missense variant.
Genome position (GRCh38, 1-based): chr2:151,570,356, G>T on the plus strand (C>A on the coding strand, the complement: NEB is on the minus strand). VCF-style: chr2-151570356-G-T. GRCh37 (hg19) VCF-style: chr2-152426870-G-T.
Other names: c.17155C>A, p.His5719Asn (NM_001164507.2, NM_001271208.2); c.12052C>A, p.His4018Asn (NM_004543.5); short protein forms H4018N, H5719N.
Identifiers: ClinVar variation 2779326 (VCV002779326.4), dbSNP rs747863168, ClinGen allele CA1908273.

ClinVar aggregate classification (germline): Conflicting classifications of pathogenicity. Review status: criteria provided, conflicting classifications (1 of 4 stars). 2 submissions from 2 submitters: Uncertain significance (1); Likely benign (1). Last evaluated 2025-01-13.

Conditions:
Nemaline myopathy 2 (NEM2). Also called: Nemaline myopathy 2, autosomal recessive. Identifiers: MedGen C1850569, MONDO:0009725, OMIM 256030.

Allele frequency attached by ClinVar (database versions not stated): ExAC 0.00001; gnomAD 0.00001; TOPMed 0.00001.
gnomAD v4.1: 1 of 1,592,930 alleles (0.000063%); highest among the groups gnomAD compares: African/African-American, 0.0014%; no homozygotes.

Submissions (2):

GeneDx
Classification: Uncertain significance. Last evaluated: 2025-01-13. Review status: criteria provided, single submitter. Criteria: GeneDx Variant Classification Process June 2021. Collection method: clinical testing. Allele origin: germline. Affected: yes.
Comment: Not observed at significant frequency in large population cohorts (gnomAD); In silico analysis supports that this missense variant has a deleterious effect on protein structure/function; Has not been previously published as pathogenic or benign to our knowledge

Labcorp Genetics (formerly Invitae), Labcorp
Classification: Likely benign for Nemaline myopathy 2. Last evaluated: 2023-05-22. Review status: criteria provided, single submitter. Criteria: Invitae Variant Classification Sherloc (09022015). Collection method: clinical testing. Allele origin: germline.